The following is an entry in ClinVar:

NM_000089.4(COL1A2):c.3712-302T>C

Gene: COL1A2 (collagen type I alpha 2 chain; plus strand). Cytogenetic location: 7q21.3.
Variant type: single nucleotide variant.
Coding change: c.3712-302T>C on transcript NM_000089.4 (MANE Select); 302 bases into the intron before coding-DNA position 3712, T replaced by C.
Molecular consequence: intron variant.
Genome position (GRCh38, 1-based): chr7:94,428,886, T>C. VCF-style: chr7-94428886-T-C. GRCh37 (hg19) VCF-style: chr7-94058198-T-C.
Identifiers: ClinVar variation 668943 (VCV000668943.1), dbSNP rs59226272, ClinGen allele CA15509245.

ClinVar aggregate classification (germline): Benign (1 of 4 stars; one submission).

Allele frequency attached by ClinVar (database versions not stated): TOPMed 0.12058; gnomAD 0.12510 and 0.13541; 1000 Genomes Project 30x 0.19285; 1000 Genomes Project 0.20347.
gnomAD v4.1: 20,435 of 151,530 alleles (13%); highest among the groups gnomAD compares: East Asian, 50%; 2,072 homozygotes.

Submission:

GeneDx
Classification: Benign. Last evaluated: 2018-06-19. Review status: criteria provided, single submitter. Criteria: GeneDx Variant Classification (06012015). Collection method: clinical testing. Allele origin: germline. Affected: yes.
Comment: This variant is considered likely benign or benign based on one or more of the following criteria: it is a conservative change, it occurs at a poorly conserved position in the protein, it is predicted to be benign by multiple in silico algorithms, and/or has population frequency not consistent with disease.